The following is an entry in ClinVar:

NM_005670.4(EPM2A):c.108_139del (p.Ala37fs)

Genes: EPM2A (EPM2A glucan phosphatase, laforin; minus strand), EPM2A-DT (EPM2A divergent transcript; plus strand), LOC129997381 (ATAC-STARR-seq lymphoblastoid silent region 17642; plus strand). Cytogenetic location: 6q24.3.
Variant type: Deletion.
Coding change: c.108_139del on transcript NM_005670.4 (MANE Select); coding-DNA positions 108 to 139, 32 bases deleted.
Protein change: p.Ala37fs; shifts the reading frame from alanine 37.
Molecular consequence: frameshift variant. On other transcripts: 5 prime UTR variant (3), intron variant (1).
Genome position (GRCh38, 1-based): chr6:145,735,360-145,735,391, 32 bases deleted; deleting any 32 consecutive bases within chr6:145,735,360-145,735,396 gives the same sequence; the c. name uses the placement nearest the transcript's 3' end. GRCh37 (hg19): chr6:146,056,501-146,056,532.
Other names: NM_005670.4(EPM2A):c.108_139del; p.Ala37fs; c.108_139del, p.Ala37fs (NM_001018041.2, NM_001360057.2, NM_001368130.1); c.-562_-531del (NM_001360071.2); c.-516_-485del (NM_001368129.2); c.-260_-229del (NM_001368131.1); c.-114+517_-114+548del (NM_001360064.2); short protein forms A37fs.
Identifiers: ClinVar variation 1075527 (VCV001075527.11), dbSNP rs1204045237, ClinGen allele CA571439444.

ClinVar aggregate classification (germline): Pathogenic. Review status: criteria provided, multiple submitters, no conflicts (2 of 4 stars). 4 submissions from 4 submitters: Pathogenic (4). Last evaluated 2026-02-02.

Conditions:
Myoclonic epilepsy of Lafora 1 (MELF1). Also called: LAFORA DISEASE 1; Epilepsy, progressive myoclonic 2A (Lafora); EPM2A-Related Lafora Disease; EPILEPSY, PROGRESSIVE MYOCLONIC, 2A. Identifiers: MedGen CN377204, MONDO:0958199, OMIM 254780.
Progressive myoclonic epilepsy. Also called: Progressive myoclonus epilepsy; Myoclonic Epilepsies, Progressive; Familial progressive myoclonic epilepsy; Myoclonus epilepsy. Identifiers: Orphanet 308, Orphanet 98261, MedGen C0751778, MONDO:0020074.
Lafora disease. Also called: Epilepsy progressive myoclonic 2; Progressive Myoclonus Epilepsy, Lafora Type. Identifiers: Orphanet 501, MedGen C0751783, MONDO:0009697.

Submissions (4):

Labcorp Genetics (formerly Invitae), Labcorp
Classification: Pathogenic for Progressive myoclonic epilepsy. Last evaluated: 2026-02-02. Review status: criteria provided, single submitter. Criteria: Invitae Variant Classification Sherloc (09022015). Collection method: clinical testing. Allele origin: germline.
Comment: This sequence change creates a premature translational stop signal (p.Ala37Glyfs*60) in the EPM2A gene. It is expected to result in an absent or disrupted protein product. Loss-of-function variants in EPM2A are known to be pathogenic (PMID: 20738377). This variant is present in population databases (no rsID available, gnomAD 0.004%). This premature translational stop signal has been observed in individual(s) with clinical features of Lafora disease (PMID: 11175283, 20738377). ClinVar contains an entry for this variant (Variation ID: 1075527). For these reasons, this variant has been classified as Pathogenic.

Broad Center for Mendelian Genomics, Broad Institute of MIT and Harvard
Classification: Pathogenic for Lafora disease. Last evaluated: 2025-01-08. Review status: criteria provided, single submitter. Criteria: ACMG Guidelines, 2015. Collection method: curation. Allele origin: germline. Inheritance: Autosomal recessive inheritance.
Comment: The p.Ala37GlyfsTer60 variant in EPM2A has been reported, in the compound heterozygous state, in at least one individual with Lafora disease (PMID: 20738377, 11175283), and has been identified in 0.008% (2/26574) of Latino/Admixed American chromosomes by the Genome Aggregation Database (gnomAD; dbSNP ID: rs1204045237). Although this variant has been seen in the general population in a heterozygous state, its frequency is low enough to be consistent with a recessive carrier frequency. This variant has also been reported in ClinVar (Variation ID: 1075527) and has been interpreted as pathogenic by Invitae. This variant is predicted to cause a frameshift, which alters the protein‚Äôs amino acid sequence beginning at position 37 and leads to a premature termination codon 23 amino acids downstream. This alteration is then predicted to lead to a truncated or absent protein. Loss of function of the EPM2A gene is an established disease mechanism in autosomal recessive Lafora disease. The phenotype of two individual heterozygous for this variant are highly specific for Lafora disease based on a biopsy showing Lafora bodies consistent with disease (PMID: 20738377, 11175283). In summary, this variant meets criteria to be classified as pathogenic for autosomal recessive Lafora disease. ACMG/AMP Criteria applied: PVS1, PP4, PM2_supporting, PM3_supporting (Richards 2015).

Revvity Omics, Revvity
Classification: Pathogenic for Myoclonic epilepsy of Lafora 1. Last evaluated: 2023-04-12. Review status: criteria provided, single submitter. Criteria: ACMG Guidelines, 2015. Collection method: clinical testing. Allele origin: germline.

Genetics and Molecular Pathology, SA Pathology
Classification: Pathogenic for Myoclonic epilepsy of Lafora 1. Last evaluated: 2022-12-15. Review status: criteria provided, single submitter. Criteria: ACMG Guidelines, 2015. Collection method: clinical testing. Allele origin: germline. Inheritance: Autosomal recessive inheritance. Affected: yes.

Literature cited by the submitters: PubMed 20738377 (cited by Labcorp Genetics (formerly Invitae), Labcorp); PubMed 11175283 (cited by Labcorp Genetics (formerly Invitae), Labcorp).